The following is an entry in ClinVar:

ClinVar aggregate classification (germline): Pathogenic (1 of 4 stars; one submission).

Conditions:
Ehlers-Danlos syndrome, classic type (cEDS). Identifiers: Orphanet 287, MedGen C4225429, MONDO:0007522.

Submission:

Labcorp Genetics (formerly Invitae), Labcorp
Classification: Pathogenic for Ehlers-Danlos syndrome, type 1. Last evaluated: 2018-11-14. Review status: criteria provided, single submitter. Criteria: Invitae Variant Classification Sherloc (09022015). Collection method: clinical testing. Allele origin: germline.
Comment: This variant is an out-of-frame deletion of the genomic region encompassing exons 2-5 of the COL5A1 gene. This is expected to create a premature translational stop signal and result in an absent or disrupted protein product. This variant has not been reported in the literature in individuals with COL5A1-related disease. Loss-of-function variants in COL5A1 are known to be pathogenic (PMID: 23587214). For these reasons, this variant has been classified as Pathogenic.

NC_000009.12:g.(?_134690902)_(134727407_?)del

Gene: COL5A1 (collagen type V alpha 1 chain; plus strand). Cytogenetic location: 9q34.3.
Variant type: Deletion.
Identifiers: ClinVar variation 662836 (VCV000662836.3).